The following is an entry in ClinVar:

ClinVar aggregate classification (germline): Pathogenic (1 of 4 stars; one submission).

Conditions:
Cardiovascular phenotype. Identifiers: MedGen CN230736.

Submission:

Ambry Genetics
Classification: Pathogenic for Cardiovascular phenotype. Last evaluated: 2025-01-13. Review status: criteria provided, single submitter. Criteria: Ambry Variant Classification Scheme 2023. Collection method: clinical testing. Allele origin: germline.
Comment: The p.Q151* pathogenic mutation (also known as c.451C>T), located in coding exon 4 of the TBX5 gene, results from a C to T substitution at nucleotide position 451. This changes the amino acid from a glutamine to a stop codon within coding exon 4. This variant was reported in individual(s) with features consistent with Holt-Oram syndrome (Borozdin W et al. Hum Mutat, 2006 Sep;27:975-6). This variant is considered to be rare based on population cohorts in the Genome Aggregation Database (gnomAD). In addition to the clinical data presented in the literature, this alteration is expected to result in loss of function by premature protein truncation or nonsense-mediated mRNA decay. As such, this alteration is interpreted as a disease-causing mutation.

Literature cited by the submitters: PubMed 16917909.

NM_181486.4(TBX5):c.451C>T (p.Gln151Ter)

Gene: TBX5 (T-box transcription factor 5; minus strand). Cytogenetic location: 12q24.21.
Variant type: single nucleotide variant.
Coding change: c.451C>T on transcript NM_181486.4 (MANE Select); coding-DNA position 451, C replaced by T.
Protein change: p.Gln151Ter; replaces glutamine 151 with a stop codon.
Molecular consequence: nonsense.
Genome position (GRCh38, 1-based): chr12:114,398,632, G>A on the plus strand (C>T on the coding strand, the complement: TBX5 is on the minus strand). VCF-style: chr12-114398632-G-A. GRCh37 (hg19) VCF-style: chr12-114836437-G-A.
Other names: c.451C>T, p.Gln151Ter (NM_000192.3); c.301C>T, p.Gln101Ter (NM_080717.4); short protein forms Q101*, Q151*.
Identifiers: ClinVar variation 3804930 (VCV003804930.1).